The following is an entry in ClinVar:

NM_001199397.3(NEK1):c.102A>T (p.Glu34Asp)

Gene: NEK1 (NIMA related kinase 1; minus strand). Cytogenetic location: 4q33.
Variant type: single nucleotide variant.
Coding change: c.102A>T on transcript NM_001199397.3 (MANE Select); coding-DNA position 102, A replaced by T.
Protein change: p.Glu34Asp; replaces glutamic acid 34 with aspartic acid.
Molecular consequence: missense variant. On other transcripts: non-coding transcript variant (2).
Genome position (GRCh38, 1-based): chr4:169,602,529, T>A on the plus strand (A>T on the coding strand, the complement: NEK1 is on the minus strand). VCF-style: chr4-169602529-T-A. GRCh37 (hg19) VCF-style: chr4-170523680-T-A.
Other names: c.102A>T, p.Glu34Asp (NM_012224.4, NM_001199398.3, NM_001199399.3 and 7 more transcripts); short protein forms E34D.
Identifiers: ClinVar variation 3603922 (VCV003603922.2).

ClinVar aggregate classification (germline): Uncertain significance (1 of 4 stars; one submission).

Conditions:
Short-rib thoracic dysplasia 6 with or without polydactyly (SRTD6). Also called: POLYDACTYLY WITH NEONATAL CHONDRODYSTROPHY, TYPE II; SHORT RIB-POLYDACTYLY SYNDROME, TYPE IIA; SHORT-RIB THORACIC DYSPLASIA 6 WITH POLYDACTYLY; SHORT-RIB THORACIC DYSPLASIA 6 WITHOUT POLYDACTYLY; Majewski Syndrome. Identifiers: MedGen C0024507, MONDO:0009894, OMIM 263520.

Submission:

Labcorp Genetics (formerly Invitae), Labcorp
Classification: Uncertain significance for Short-rib thoracic dysplasia 6 with or without polydactyly. Last evaluated: 2024-06-28. Review status: criteria provided, single submitter. Criteria: Invitae Variant Classification Sherloc (09022015). Collection method: clinical testing. Allele origin: germline.
Comment: This sequence change replaces glutamic acid, which is acidic and polar, with aspartic acid, which is acidic and polar, at codon 34 of the NEK1 protein (p.Glu34Asp). This variant is not present in population databases (gnomAD no frequency). This variant has not been reported in the literature in individuals affected with NEK1-related conditions. Advanced modeling of protein sequence and biophysical properties (such as structural, functional, and spatial information, amino acid conservation, physicochemical variation, residue mobility, and thermodynamic stability) performed at Invitae indicates that this missense variant is not expected to disrupt NEK1 protein function with a negative predictive value of 95%. In summary, the available evidence is currently insufficient to determine the role of this variant in disease. Therefore, it has been classified as a Variant of Uncertain Significance.